The following is an entry in ClinVar:

NM_007375.4(TARDBP):c.543+4C>T

Gene: TARDBP (TAR DNA binding protein; plus strand). Cytogenetic location: 1p36.22.
Variant type: single nucleotide variant.
Coding change: c.543+4C>T on transcript NM_007375.4 (MANE Select); 4 bases into the intron after coding-DNA position 543, C replaced by T.
Molecular consequence: intron variant.
Genome position (GRCh38, 1-based): chr1:11,018,877, C>T. VCF-style: chr1-11018877-C-T. GRCh37 (hg19) VCF-style: chr1-11078934-C-T.
Identifiers: ClinVar variation 4793848 (VCV004793848.1).

ClinVar aggregate classification (germline): Uncertain significance (1 of 4 stars; one submission).

Conditions:
FRONTOTEMPORAL LOBAR DEGENERATION WITH TDP43 INCLUSIONS, TARDBP-RELATED. Also called: Frontotemporal lobar degeneration, TARDBP-related. Identifiers: MedGen C3150169, OMIM 612069.
Amyotrophic lateral sclerosis type 10 (ALS10). Also called: AMYOTROPHIC LATERAL SCLEROSIS 10 WITHOUT FRONTOTEMPORAL DEMENTIA AND WITH TDP43 INCLUSIONS; AMYOTROPHIC LATERAL SCLEROSIS 10 WITH OR WITHOUT FRONTOTEMPORAL DEMENTIA AND WITH TDP43 INCLUSIONS; AMYOTROPHIC LATERAL SCLEROSIS 10 WITH OR WITHOUT FRONTOTEMPORAL DEMENTIA; Amyotrophic lateral sclerosis 10, with or without FTD; TARDBP-Related Amyotrophic Lateral Sclerosis-Frontotemporal Dementia. Identifiers: Orphanet 275872, Orphanet 803, MedGen C2677565, MONDO:0012790, OMIM 612069.

gnomAD v4.1: 18 of 1,613,906 alleles (0.0011%); highest among the groups gnomAD compares: African/African-American, 0.0027%; no homozygotes.

Submission:

Labcorp Genetics (formerly Invitae), Labcorp
Classification: Uncertain significance for Amyotrophic lateral sclerosis type 10; FRONTOTEMPORAL LOBAR DEGENERATION WITH TDP43 INCLUSIONS, TARDBP-RELATED. Last evaluated: 2025-05-16. Review status: criteria provided, single submitter. Criteria: Invitae Variant Classification Sherloc (09022015). Collection method: clinical testing. Allele origin: germline.
Comment: This sequence change falls in intron 4 of the TARDBP gene. It does not directly change the encoded amino acid sequence of the TARDBP protein. It affects a nucleotide within the consensus splice site. This variant is not present in population databases (gnomAD no frequency). This variant has not been reported in the literature in individuals affected with TARDBP-related conditions. Variants that disrupt the consensus splice site are a relatively common cause of aberrant splicing (PMID: 17576681, 9536098). Algorithms developed to predict the effect of sequence changes on RNA splicing suggest that this variant is not likely to affect RNA splicing. In summary, the available evidence is currently insufficient to determine the role of this variant in disease. Therefore, it has been classified as a Variant of Uncertain Significance.

Literature cited by the submitters: PubMed 17576681; PubMed 9536098.